The following is an entry in ClinVar:

NM_001323289.2(CDKL5):c.64+26G>A

Gene: CDKL5 (cyclin dependent kinase like 5; plus strand). Cytogenetic location: Xp22.13.
Variant type: single nucleotide variant.
Coding change: c.64+26G>A on transcript NM_001323289.2 (MANE Select); 26 bases into the intron after coding-DNA position 64, G replaced by A.
Molecular consequence: intron variant.
Genome position (GRCh38, 1-based): chrX:18,507,186, G>A. VCF-style: chrX-18507186-G-A. GRCh37 (hg19) VCF-style: chrX-18525306-G-A.
Other names: c.64+26G>A (NM_003159.3, NM_001037343.2).
Identifiers: ClinVar variation 189541 (VCV000189541.3), dbSNP rs374664378, ClinGen allele CA199354.

ClinVar aggregate classification (germline): Benign. Review status: criteria provided, single submitter (1 of 4 stars). 2 submissions from 2 submitters: Benign (1). 1 of the submissions does not count toward it. Last evaluated 2024-07-12.

Conditions:
CDKL5 disorder. Identifiers: MedGen CN296942, MONDO:0100039.

Allele frequency attached by ClinVar (database versions not stated): gnomAD 0.00065 and 0.00067; TOPMed 0.00049; ESP Exome Variant Server 0.00047; ExAC 0.00072; gnomAD exomes 0.00077 and 0.00104.
gnomAD v4.1: 1,055 of 1,068,782 alleles (0.099%); highest among the groups gnomAD compares: Non-Finnish European, 0.13%; 2 homozygotes.

Submissions (2):

Centre for Population Genomics, CPG
Classification: Benign for CDKL5 disorder. Last evaluated: 2024-07-12. Review status: criteria provided, single submitter. Criteria: McKnight et al. (Hum Mutat. 2022). Collection method: curation. Allele origin: germline. Inheritance: X-linked inheritance.
Comment: This variant has been collected from RettBASE and curated to current modified ACMG/AMP criteria. Based on the classification scheme defined by the ClinGen Rett/Angelman-like Expert Panel for Rett/AS-like Disorders Specifications to the ACMG/AMP Variant Interpretation Guidelines VCEP 3.0, this variant is classified as benign. At least the following criteria are met: The allele frequency of this variant in at least one population in gnomAD v4 is higher than the 0.03% threshold defined by the ClinGen Rett/Angelman-like Expert Panel for Rett/AS-like Disorders VCEP 3.0 (BA1).

RettBASE
Classification: Benign. Last evaluated: 2014-05-15. Review status: no assertion criteria provided. Collection method: curation. Allele origin: maternal, unknown. Observed: 2 variant alleles. Not counted in ClinVar's aggregate classification.